The following is an entry in ClinVar:

NM_003672.4(CDC14A):c.161C>T (p.Pro54Leu)

Gene: CDC14A (cell division cycle 14A; plus strand). Cytogenetic location: 1p21.2.
Variant type: single nucleotide variant.
Coding change: c.161C>T on transcript NM_003672.4 (MANE Select); coding-DNA position 161, C replaced by T.
Protein change: p.Pro54Leu; replaces proline 54 with leucine.
Molecular consequence: missense variant. On other transcripts: 5 prime UTR variant (2).
Genome position (GRCh38, 1-based): chr1:100,377,566, C>T. VCF-style: chr1-100377566-C-T. GRCh37 (hg19) VCF-style: chr1-100843122-C-T.
Other names: c.161C>T, p.Pro54Leu (NM_001319210.2, NM_033312.3, NM_033313.3); c.-14C>T (NM_001319211.2); c.-631C>T (NM_001319212.2); c.161C>T (NM_033312.2); short protein forms P54L.
Identifiers: ClinVar variation 3773976 (VCV003773976.2).

ClinVar aggregate classification (germline): Uncertain significance. Review status: criteria provided, multiple submitters, no conflicts (2 of 4 stars). 2 submissions from 2 submitters: Uncertain significance (2). Last evaluated 2025-04-08.

Conditions:
Inborn genetic diseases. Identifiers: MedGen C0950123, MeSH D030342.

gnomAD v4.1: 29 of 1,612,872 alleles (0.0018%); highest among the groups gnomAD compares: African/African-American, 0.0027%; no homozygotes.

Submissions (2):

Ambry Genetics
Classification: Uncertain significance for Inborn genetic diseases. Last evaluated: 2025-04-08. Review status: criteria provided, single submitter. Criteria: Ambry Variant Classification Scheme 2023. Collection method: clinical testing. Allele origin: germline.

GeneDx
Classification: Uncertain significance. Last evaluated: 2024-09-24. Review status: criteria provided, single submitter. Criteria: GeneDx Variant Classification Process June 2021. Collection method: clinical testing. Allele origin: germline. Affected: yes.
Comment: In silico analysis supports that this missense variant has a deleterious effect on protein structure/function; Has not been previously published as pathogenic or benign to our knowledge